The following is an entry in ClinVar:

NM_006230.4(POLD2):c.601G>A (p.Gly201Ser)

Gene: POLD2 (DNA polymerase delta 2, accessory subunit; minus strand). Cytogenetic location: 7p13.
Variant type: single nucleotide variant.
Coding change: c.601G>A on transcript NM_006230.4 (MANE Select); coding-DNA position 601, G replaced by A.
Protein change: p.Gly201Ser; replaces glycine 201 with serine.
Molecular consequence: missense variant.
Genome position (GRCh38, 1-based): chr7:44,116,996, C>T on the plus strand (G>A on the coding strand, the complement: POLD2 is on the minus strand). VCF-style: chr7-44116996-C-T. GRCh37 (hg19) VCF-style: chr7-44156595-C-T.
Other names: c.601G>A, p.Gly201Ser (NM_001127218.3, NM_001256879.2); c.601G>A (NM_001127218.1); short protein forms G201S.
Identifiers: ClinVar variation 2072910 (VCV002072910.6), dbSNP rs753675836, ClinGen allele CA4238782.
Genomic context (GRCh38, chr7:44,116,996, plus strand): 5'-CATCCACCAGCAGCTGGGTGCCCAGCAGGCTCTCGCCTCCACCGCCACCCAGGCCCAGGC[C>T]GGACACCAGTAGCACAAACCTGCGGGAGAAGGTGGGGTCCTCCAGGGTGCCGAGAAGGGA-3'
Protein context (NP_006221.3, residues 191-211): DTDRFVLLVS[Gly201Ser]LGLGGGGGES

ClinVar aggregate classification (germline): Uncertain significance. Review status: criteria provided, multiple submitters, no conflicts (2 of 4 stars). 3 submissions from 3 submitters: Uncertain significance (3). Last evaluated 2026-02-11.

Allele frequency attached by ClinVar (database versions not stated): gnomAD 0.00001; ExAC 0.00003; TOPMed 0.00008.

Submissions (3):

Women's Health and Genetics/Laboratory Corporation of America, LabCorp
Classification: Uncertain significance. Last evaluated: 2026-02-11. Review status: criteria provided, single submitter. Criteria: LabCorp Variant Classification Summary - May 2015. Collection method: clinical testing. Allele origin: germline.
Comment: Variant summary: POLD2 c.601G>A (p.Gly201Ser) results in a non-conservative amino acid change in the encoded protein sequence. Algorithms developed to predict the effect of missense changes on protein structure and function all suggest that this variant is likely to be disruptive. The variant allele was found at a frequency of 3.2e-05 in 247784 control chromosomes. The available data on variant occurrences in the general population are insufficient to allow any conclusion about variant significance. To our knowledge, no occurrence of c.601G>A in individuals affected with POLD2-related conditions and no experimental evidence demonstrating its impact on protein function have been reported. ClinVar contains an entry for this variant (Variation ID: 2072910). Based on the evidence outlined above, the variant was classified as uncertain significance.

Ambry Genetics
Classification: Uncertain significance. Last evaluated: 2025-05-14. Review status: criteria provided, single submitter. Criteria: Ambry Variant Classification Scheme 2023. Collection method: clinical testing. Allele origin: germline.

Labcorp Genetics (formerly Invitae), Labcorp
Classification: Uncertain significance. Last evaluated: 2024-12-29. Review status: criteria provided, single submitter. Criteria: Invitae Variant Classification Sherloc (09022015). Collection method: clinical testing. Allele origin: germline.
Comment: This sequence change replaces glycine, which is neutral and non-polar, with serine, which is neutral and polar, at codon 236 of the POLD2 protein (p.Gly236Ser). This variant is present in population databases (rs753675836, gnomAD 0.03%). This variant has not been reported in the literature in individuals affected with POLD2-related conditions. ClinVar contains an entry for this variant (Variation ID: 2072910). Experimental studies and prediction algorithms are not available or were not evaluated, and the functional significance of this variant is currently unknown. In summary, the available evidence is currently insufficient to determine the role of this variant in disease. Therefore, it has been classified as a Variant of Uncertain Significance.